The following is an entry in ClinVar:

ClinVar aggregate classification (germline): Uncertain significance (1 of 4 stars; one submission).

Submission:

Labcorp Genetics (formerly Invitae), Labcorp
Classification: Uncertain significance. Last evaluated: 2022-07-25. Review status: criteria provided, single submitter. Criteria: Invitae Variant Classification Sherloc (09022015). Collection method: clinical testing. Allele origin: germline.
Comment: In summary, the available evidence is currently insufficient to determine the role of this variant in disease. Therefore, it has been classified as a Variant of Uncertain Significance. Algorithms developed to predict the effect of sequence changes on RNA splicing suggest that this variant may create or strengthen a splice site. Algorithms developed to predict the effect of missense changes on protein structure and function are either unavailable or do not agree on the potential impact of this missense change (SIFT: "Not Available"; PolyPhen-2: "Probably Damaging"; Align-GVGD: "Not Available"). ClinVar contains an entry for this variant (Variation ID: 1374826). This variant has not been reported in the literature in individuals affected with KCNK4-related conditions. This variant is not present in population databases (gnomAD no frequency). This sequence change replaces glycine with arginine at codon 132 of the KCNK4 protein (p.Gly132Arg). The glycine residue is highly conserved and there is a moderate physicochemical difference between glycine and arginine.

NM_033310.3(KCNK4):c.394G>A (p.Gly132Arg)

Genes: KCNK4 (potassium two pore domain channel subfamily K member 4; plus strand), KCNK4-CATSPERZ (KCNK4-CATSPERZ readthrough (NMD candidate); plus strand). Cytogenetic location: 11q13.1.
Variant type: single nucleotide variant.
Coding change: c.394G>A on transcript NM_033310.3 (MANE Select); coding-DNA position 394, G replaced by A.
Protein change: p.Gly132Arg; replaces glycine 132 with arginine.
Molecular consequence: missense variant. On other transcripts: non-coding transcript variant (3).
Genome position (GRCh38, 1-based): chr11:64,297,199, G>A. VCF-style: chr11-64297199-G-A. GRCh37 (hg19) VCF-style: chr11-64064671-G-A.
Other names: c.394G>A, p.Gly132Arg (NM_001317090.2); short protein forms G132R.
Identifiers: ClinVar variation 1374826 (VCV001374826.6), dbSNP rs2135231795, ClinGen allele CA381164393.